The following is an entry in ClinVar:

ClinVar aggregate classification (germline): Conflicting classifications of pathogenicity. Review status: criteria provided, conflicting classifications (1 of 4 stars). 4 submissions from 4 submitters: Uncertain significance (2); Likely benign (1). 1 of the submissions does not count toward it. Last evaluated 2025-05-26.

Conditions:
Hereditary cancer-predisposing syndrome. Also called: Hereditary Cancer Syndrome; Neoplastic Syndromes, Hereditary; Hereditary neoplastic syndrome; Tumor predisposition. Identifiers: Orphanet 140162, MedGen C0027672, MeSH D009386, MONDO:0015356.
Hereditary breast ovarian cancer syndrome. Also called: Breast and ovarian cancer; Hereditary breast and/or ovarian cancer syndrome; Hereditary breast and ovarian cancer; Hereditary breast and ovarian cancer syndrome; Hereditary breast and ovarian cancer syndrome (HBOC); BRCA1- and BRCA2-Associated Hereditary Breast and Ovarian Cancer. Identifiers: Orphanet 145, MedGen C0677776, MeSH D061325, MONDO:0003582. Disease mechanism: loss of function.
Breast-ovarian cancer, familial, susceptibility to, 2 (BROVCA2). Also called: BRCA2 Hereditary Breast and Ovarian Cancer. Identifiers: Orphanet 145, MedGen C2675520, MONDO:0012933, OMIM 612555. Disease mechanism: loss of function.

Submissions (4):

Labcorp Genetics (formerly Invitae), Labcorp
Classification: Uncertain significance for Hereditary breast ovarian cancer syndrome. Last evaluated: 2025-05-26. Review status: criteria provided, single submitter. Criteria: Invitae Variant Classification Sherloc (09022015). Collection method: clinical testing. Allele origin: germline.
Comment: This sequence change replaces proline, which is neutral and non-polar, with leucine, which is neutral and non-polar, at codon 1145 of the BRCA2 protein (p.Pro1145Leu). This variant is not present in population databases (gnomAD no frequency). This variant has not been reported in the literature in individuals affected with BRCA2-related conditions. ClinVar contains an entry for this variant (Variation ID: 96790). Invitae Evidence Modeling of protein sequence and biophysical properties (such as structural, functional, and spatial information, amino acid conservation, physicochemical variation, residue mobility, and thermodynamic stability) indicates that this missense variant is not expected to disrupt BRCA2 protein function with a negative predictive value of 95%. In summary, the available evidence is currently insufficient to determine the role of this variant in disease. Therefore, it has been classified as a Variant of Uncertain Significance.

Ambry Genetics
Classification: Uncertain significance for Hereditary cancer-predisposing syndrome. Last evaluated: 2023-08-29. Review status: criteria provided, single submitter. Criteria: Ambry Variant Classification Scheme 2023. Collection method: clinical testing. Allele origin: germline.
Comment: The p.P1145L variant (also known as c.3434C>T), located in coding exon 10 of the BRCA2 gene, results from a C to T substitution at nucleotide position 3434. The proline at codon 1145 is replaced by leucine, an amino acid with similar properties. This amino acid position is not well conserved in available vertebrate species. In addition, this alteration is predicted to be tolerated by in silico analysis. Since supporting evidence is limited at this time, the clinical significance of this alteration remains unclear.

University of Washington Department of Laboratory Medicine, University of Washington
Classification: Likely benign for Hereditary cancer-predisposing syndrome. Last evaluated: 2023-03-23. Review status: criteria provided, single submitter. Criteria: Dines et al. (Genet Med. 2020). Collection method: curation. Allele origin: germline.
Comment: Missense variant in a coldspot region where missense variants are very unlikely to be pathogenic (PMID:31911673).

BRCA2 exon 11 coldspot. Reclassification based on statistical prior probability.

Sharing Clinical Reports Project (SCRP)
Classification: Uncertain significance for Breast-ovarian cancer, familial 2. Last evaluated: 2008-08-06. Review status: no assertion criteria provided. Collection method: clinical testing. Allele origin: germline. Not counted in ClinVar's aggregate classification.

NM_000059.4(BRCA2):c.3434C>T (p.Pro1145Leu)

Gene: BRCA2 (BRCA2 DNA repair associated; plus strand). Cytogenetic location: 13q13.1.
Variant type: single nucleotide variant.
Coding change: c.3434C>T on transcript NM_000059.4 (MANE Select); coding-DNA position 3434, C replaced by T.
Protein change: p.Pro1145Leu; replaces proline 1145 with leucine.
Molecular consequence: missense variant.
Genome position (GRCh38, 1-based): chr13:32,337,789, C>T. VCF-style: chr13-32337789-C-T. GRCh37 (hg19) VCF-style: chr13-32911926-C-T.
Other names: P1145L; 3662C>T; c.3434C>T, p.Pro1145Leu (NM_001406719.1, NM_001406720.1).
Identifiers: ClinVar variation 96790 (VCV000096790.8), dbSNP rs431825306, ClinGen allele CA018004.